The following is an entry in ClinVar:

ClinVar aggregate classification (germline): Conflicting classifications of pathogenicity. Review status: criteria provided, conflicting classifications (1 of 4 stars). 2 submissions from 2 submitters: Uncertain significance (1); Likely benign (1). Last evaluated 2025-11-19.

Conditions:
Hereditary pheochromocytoma and paraganglioma. Also called: Hereditary pheochromocytoma-paraganglioma; Hereditary Paraganglioma-Pheochromocytoma Syndromes; Hereditary paragangliomas and pheochromocytomas. Identifiers: Orphanet 29072, MedGen C4274332, MONDO:0017366.
Pheochromocytoma. Also called: MAX-Related Hereditary Paraganglioma-Pheochromocytoma Syndrome. Identifiers: Orphanet 29072, MedGen C0031511, MONDO:0008233, OMIM 171300, HP:0002666.
Pheochromocytoma/paraganglioma syndrome 4. Also called: CAROTID BODY TUMORS AND MULTIPLE EXTRAADRENAL PHEOCHROMOCYTOMAS; PARAGANGLIOMA, FAMILIAL MALIGNANT; PARAGANGLIOMAS, HEREDITARY EXTRAADRENAL; PHEOCHROMOCYTOMA, FAMILIAL EXTRAADRENAL; Paragangliomas 4; SDHB-Related Hereditary Paraganglioma-Pheochromocytoma Syndrome (Paragangliomas 4). Identifiers: Orphanet 29072, MedGen C1861848, MONDO:0007273, OMIM 115310.
Gastrointestinal stromal tumor. Also called: Gastrointestinal stroma tumor; Gastrointestinal stromal tumor, somatic. Identifiers: Orphanet 44890, MedGen C0238198, MeSH D046152, MONDO:0011719, OMIM 606764, HP:0100723.

Allele frequency attached by ClinVar (database versions not stated): gnomAD exomes below 0.00001; TOPMed below 0.00001; gnomAD 0.00001.
gnomAD v4.1: 1 of 1,596,860 alleles (0.000063%); highest among the groups gnomAD compares: Non-Finnish European, 0.000086%; no homozygotes.

Submissions (2):

Labcorp Genetics (formerly Invitae), Labcorp
Classification: Likely benign for Gastrointestinal stromal tumor; Pheochromocytoma/paraganglioma syndrome 4; Pheochromocytoma. Last evaluated: 2025-11-19. Review status: criteria provided, single submitter. Criteria: Invitae Variant Classification Sherloc (09022015). Collection method: clinical testing. Allele origin: germline.

All of Us Research Program, National Institutes of Health
Classification: Uncertain significance for Hereditary pheochromocytoma and paraganglioma. Last evaluated: 2023-06-08. Review status: criteria provided, single submitter. Criteria: ACMG Guidelines, 2015. Collection method: clinical testing. Allele origin: germline. Inheritance: Autosomal dominant inheritance. Observed: 1 variant allele, 1 heterozygote.
Comment: This variant causes a T to G nucleotide substitution at the -9 position of intron 7 of the SDHB gene. To our knowledge, functional studies have not been reported for this variant. This variant has not been reported in individuals affected with hereditary paranganglioma-pheochromocytoma syndrome in the literature. This variant has not been identified in the general population by the Genome Aggregation Database (gnomAD). The available evidence is insufficient to determine the role of this variant in disease conclusively. Therefore, this variant is classified as a Variant of Uncertain Significance.

This study involves interpretation of variants in research participants for the purpose of population health screening. Participant phenotype was not available at the time of variant classification. Additional details can be found in publication PMID: 35346344, PMCID: PMC8962531

NM_003000.3(SDHB):c.766-9T>G

Genes: SDHB (succinate dehydrogenase complex iron sulfur subunit B; minus strand), LOC129929541 (ATAC-STARR-seq lymphoblastoid active region 276; plus strand). Cytogenetic location: 1p36.13.
Variant type: single nucleotide variant.
Coding change: c.766-9T>G on transcript NM_003000.3 (MANE Select); 9 bases into the intron before coding-DNA position 766, T replaced by G.
Molecular consequence: intron variant.
Genome position (GRCh38, 1-based): chr1:17,018,967, A>C on the plus strand (T>G on the coding strand, the complement: SDHB is on the minus strand). VCF-style: chr1-17018967-A-C. GRCh37 (hg19) VCF-style: chr1-17345462-A-C.
Identifiers: ClinVar variation 1138562 (VCV001138562.8), dbSNP rs2077946427, ClinGen allele CA999080207.